The following is an entry in ClinVar:

ClinVar aggregate classification (germline): Uncertain significance (1 of 4 stars; one submission).

Conditions:
Cardiac arrhythmia. Also called: Cardiac rhythm disease; Arrhythmia. Identifiers: MedGen C0003811, MONDO:0007263, HP:0011675.

gnomAD v4.1: 13 of 1,613,550 alleles (0.00081%); highest among the groups gnomAD compares: Non-Finnish European, 0.0011%; no homozygotes.

Submission:

Labcorp Genetics (formerly Invitae), Labcorp
Classification: Uncertain significance for Cardiac arrhythmia. Last evaluated: 2024-07-02. Review status: criteria provided, single submitter. Criteria: Invitae Variant Classification Sherloc (09022015). Collection method: clinical testing. Allele origin: germline.
Comment: This sequence change creates a premature translational stop signal (p.Tyr66*) in the RANGRF gene. It is expected to result in an absent or disrupted protein product. However, the current clinical and genetic evidence is not sufficient to establish whether loss-of-function variants in RANGRF cause disease. This variant is present in population databases (no rsID available, gnomAD 0.002%). This premature translational stop signal has been observed in individual(s) with sudden cardiac arrest (PMID: 30975432). Algorithms developed to predict the effect of sequence changes on RNA splicing suggest that this variant may disrupt the consensus splice site. In summary, the available evidence is currently insufficient to determine the role of this variant in disease. Therefore, it has been classified as a Variant of Uncertain Significance.

Literature cited by the submitters: PubMed 30975432.

NM_016492.5(RANGRF):c.198C>A (p.Tyr66Ter)

Genes: RANGRF (RAN guanine nucleotide release factor; plus strand), SLC25A35 (solute carrier family 25 member 35; minus strand). Cytogenetic location: 17p13.1.
Variant type: single nucleotide variant.
Coding change: c.198C>A on transcript NM_016492.5 (MANE Select); coding-DNA position 198, C replaced by A.
Protein change: p.Tyr66Ter; replaces tyrosine 66 with a stop codon.
Molecular consequence: nonsense. On other transcripts: 3 prime UTR variant (2), non-coding transcript variant (2), intron variant (1).
Genome position (GRCh38, 1-based): chr17:8,289,261, C>A. VCF-style: chr17-8289261-C-A. GRCh37 (hg19) VCF-style: chr17-8192579-C-A.
Other names: c.198C>A, p.Tyr66Ter (NM_001177801.2, NM_001177802.2, NM_001330127.2); c.*222G>T (NM_001320872.2); c.*355G>T (NM_201520.3); c.*42+313G>T (NM_001320871.2); short protein forms Y66*.
Identifiers: ClinVar variation 3705755 (VCV003705755.2).
Genomic context (GRCh38, chr17:8,289,261, plus strand): 5'-ATGCTCCCGGGGAGGCGACCAGAGATGTCCCTTCCTGACCCCGCTTCCCTACTCCAGGTA[C>A]CACTTTGAGGATGTTGGTGGCGTGCAGGGGGCTAGGGCTGTCCATGTGGAGTCTGTTCAG-3'